The following is an entry in ClinVar:

NM_002473.6(MYH9):c.97T>C (p.Trp33Arg)

Gene: MYH9 (myosin heavy chain 9; minus strand). Cytogenetic location: 22q12.3.
Variant type: single nucleotide variant.
Coding change: c.97T>C on transcript NM_002473.6 (MANE Select); coding-DNA position 97, T replaced by C.
Protein change: p.Trp33Arg; replaces tryptophan 33 with arginine.
Molecular consequence: missense variant.
Genome position (GRCh38, 1-based): chr22:36,349,140, A>G on the plus strand (T>C on the coding strand, the complement: MYH9 is on the minus strand). VCF-style: chr22-36349140-A-G. GRCh37 (hg19) VCF-style: chr22-36745185-A-G.
Other names: short protein forms W33R.
Identifiers: ClinVar variation 1028020 (VCV001028020.2), dbSNP rs1603484060, ClinGen allele CA411549553.

ClinVar aggregate classification (germline): Pathogenic. Review status: criteria provided, multiple submitters, no conflicts (2 of 4 stars). 2 submissions from 2 submitters: Pathogenic (2). Last evaluated 2024-04-04.

Conditions:
Macrothrombocytopenia and granulocyte inclusions with or without nephritis or sensorineural hearing loss (MATINS). Also called: BLEEDING DISORDER, PLATELET-TYPE, 6; MACROTHROMBOCYTOPENIA WITH LEUKOCYTE INCLUSIONS; MAY-HEGGLIN ANOMALY; DOHLE LEUKOCYTE INCLUSIONS WITH GIANT PLATELETS; SEBASTIAN PLATELET SYNDROME; MACROTHROMBOCYTOPENIA WITH DISPERSED LEUKOCYTIC INCLUSIONS. Identifiers: Orphanet 182050, MedGen C5200934, MONDO:0015912, OMIM 155100.

Submissions (2):

Genomic Medicine Center of Excellence, King Faisal Specialist Hospital and Research Centre
Classification: Pathogenic for Macrothrombocytopenia and granulocyte inclusions with or without nephritis or sensorineural hearing loss. Last evaluated: 2024-04-04. Review status: criteria provided, single submitter. Criteria: ACMG Guidelines, 2015. Collection method: clinical testing. Allele origin: germline.

Baylor Genetics
Classification: Pathogenic for Macrothrombocytopenia and granulocyte inclusions with or without nephritis or sensorineural hearing loss. Last evaluated: 2019-11-08. Review status: criteria provided, single submitter. Criteria: ACMG Guidelines, 2015. Collection method: clinical testing. Allele origin: unknown. Affected: yes.
Comment: This variant was determined to be pathogenic according to ACMG Guidelines, 2015 [PMID:25741868].